The following is an entry in ClinVar:

ClinVar aggregate classification (germline): Likely benign. Review status: criteria provided, multiple submitters, no conflicts (2 of 4 stars). 3 submissions from 3 submitters: Likely benign (3). Last evaluated 2026-02-02.

Conditions:
TTN-related disorder. Also called: TTN-related condition; TTN-related disease; TTN-related disorders.

Allele frequency attached by ClinVar (database versions not stated): gnomAD exomes 0.00003 and 0.00005; ExAC 0.00010; TOPMed 0.00027; 1000 Genomes Project 30x 0.00031; gnomAD 0.00031 and 0.00032; ESP Exome Variant Server 0.00038; 1000 Genomes Project 0.00040.
gnomAD v4.1: 84 of 1,613,120 alleles (0.0052%); highest among the groups gnomAD compares: African/African-American, 0.11%; 1 homozygote.

Submissions (3):

PreventionGenetics, part of Exact Sciences
Classification: Likely benign for TTN-related condition. Last evaluated: 2026-02-02. Review status: criteria provided, single submitter. Criteria: ACMG Guidelines, 2015. Collection method: clinical testing. Allele origin: germline.
Comment: This variant is classified as likely benign based on ACMG/AMP sequence variant interpretation guidelines (Richards et al. 2015 PMID: 25741868, with internal and published modifications).

GeneDx
Classification: Likely benign. Last evaluated: 2019-05-07. Review status: criteria provided, single submitter. Criteria: GeneDx Variant Classification Process June 2021. Collection method: clinical testing. Allele origin: germline. Affected: yes.

Eurofins Ntd Llc (ga)
Classification: Likely benign. Last evaluated: 2016-10-20. Review status: criteria provided, single submitter. Criteria: EGL Classification Definitions 2015. Collection method: clinical testing. Allele origin: germline. Observed: 1 variant allele, 1 heterozygote.

NM_133379.5(TTN):c.11628A>G (p.Thr3876=)

Gene: TTN (titin; minus strand). Cytogenetic location: 2q31.2.
Variant type: single nucleotide variant.
Coding change: c.11628A>G on transcript NM_133379.5; coding-DNA position 11628, A replaced by G.
Protein change: p.Thr3876=; no amino-acid change (threonine 3876 retained).
Molecular consequence: synonymous variant. On other transcripts: intron variant (6).
Genome position (GRCh38, 1-based): chr2:178,750,772, T>C on the plus strand (A>G on the coding strand, the complement: TTN is on the minus strand). VCF-style: chr2-178750772-T-C. GRCh37 (hg19) VCF-style: chr2-179615499-T-C.
Other names: c.11628A>G (NM_133379.4); c.10222+2352A>G (NM_003319.4); c.10798+2352A>G (NM_133437.4); c.10597+2352A>G (NM_133432.3); c.10360+2352A>G (NM_133378.4, NM_001256850.1); c.11311+2352A>G (NM_001267550.2).
Identifiers: ClinVar variation 497510 (VCV000497510.9), dbSNP rs140246156, ClinGen allele CA2003711.